The following is an entry in ClinVar:

ClinVar aggregate classification (germline): Pathogenic (1 of 4 stars; one submission).

Conditions:
Glycogen storage disease, type IV (GSD4). Also called: Glycogen storage disease due to glycogen branching enzyme deficiency; AMYLOPECTINOSIS; ANDERSEN DISEASE; BRANCHER DEFICIENCY; CIRRHOSIS, FAMILIAL, WITH DEPOSITION OF ABNORMAL GLYCOGEN; GBE1 DEFICIENCY. Identifiers: Orphanet 367, MedGen C0017923, MONDO:0009292, OMIM 232500.
Glycogen storage disease IV, classic hepatic. Also called: GSD IV, CLASSIC HEPATIC. Identifiers: MedGen C1856301.

Submission:

Labcorp Genetics (formerly Invitae), Labcorp
Classification: Pathogenic for Glycogen storage disease, type IV; Glycogen storage disease IV, classic hepatic. Last evaluated: 2022-03-18. Review status: criteria provided, single submitter. Criteria: Invitae Variant Classification Sherloc (09022015). Collection method: clinical testing. Allele origin: germline.
Comment: This variant is a gross deletion of the genomic region encompassing exon(s) 2-16 of the GBE1 gene, which includes the termination codon. This deletion extends beyond the assayed region for this gene and therefore may encompass additional genes. While this deletion is not anticipated to lead to nonsense mediated decay, it is expected to alter mRNA translation or result in a truncated protein product. A similar copy number variant has been observed in individual(s) with glycogen storage disease (PMID: 31747834). In at least one individual the data is consistent with being in trans (on the opposite chromosome) from a pathogenic variant. This variant disrupts a region of the GBE1 protein in which other variant(s) (p.Tyr329Cys, p.Tyr329Ser) have been determined to be pathogenic (PMID: 8613547, 23034915, 25665141, 26199317, 26385640). This suggests that this is a clinically significant region of the protein, and that variants that disrupt it are likely to be disease-causing. For these reasons, this variant has been classified as Pathogenic.

Literature cited by the submitters: PubMed 31747834; PubMed 8613547; PubMed 23034915; PubMed 25665141; PubMed 26199317; PubMed 26385640.

NC_000003.11:g.(?_81539548)_(81754774_?)del

Gene: GBE1 (1,4-alpha-glucan branching enzyme 1; minus strand). Cytogenetic location: 3p12.2.
Variant type: Deletion.
Identifiers: ClinVar variation 1076130 (VCV001076130.7).